The following is an entry in ClinVar:

NM_001042492.3(NF1):c.5317C>G (p.Leu1773Val)

Gene: NF1 (neurofibromin 1; plus strand). Cytogenetic location: 17q11.2.
Variant type: single nucleotide variant.
Coding change: c.5317C>G on transcript NM_001042492.3 (MANE Select); coding-DNA position 5317, C replaced by G.
Protein change: p.Leu1773Val; replaces leucine 1773 with valine.
Molecular consequence: missense variant.
Genome position (GRCh38, 1-based): chr17:31,327,547, C>G. VCF-style: chr17-31327547-C-G. GRCh37 (hg19) VCF-style: chr17-29654565-C-G.
Other names: c.5254C>G, p.Leu1752Val (NM_000267.4); short protein forms L1773V, L1752V.
Identifiers: ClinVar variation 1746382 (VCV001746382.5), dbSNP rs1597831909, ClinGen allele CA399009108.

ClinVar aggregate classification (germline): Uncertain significance. Review status: criteria provided, multiple submitters, no conflicts (2 of 4 stars). 2 submissions from 2 submitters: Uncertain significance (2). Last evaluated 2023-05-24.

Conditions:
Neurofibromatosis, type 1 (NF1). Also called: VON RECKLINGHAUSEN DISEASE; NEUROFIBROMATOSIS, TYPE I, SOMATIC; Neurofibromatosis, type I; Peripheral type neurofibromatosis. Identifiers: Orphanet 636, MedGen C0027831, MONDO:0018975, OMIM 162200. Disease mechanism: loss of function.
Cardiovascular phenotype. Identifiers: MedGen CN230736.
Hereditary cancer-predisposing syndrome. Also called: Neoplastic Syndromes, Hereditary; Tumor predisposition; Hereditary Cancer Syndrome; Hereditary neoplastic syndrome. Identifiers: Orphanet 140162, MedGen C0027672, MeSH D009386, MONDO:0015356.

Submissions (2):

Labcorp Genetics (formerly Invitae), Labcorp
Classification: Uncertain significance for Neurofibromatosis, type 1. Last evaluated: 2023-05-24. Review status: criteria provided, single submitter. Criteria: Invitae Variant Classification Sherloc (09022015). Collection method: clinical testing. Allele origin: germline.
Comment: This sequence change replaces leucine, which is neutral and non-polar, with valine, which is neutral and non-polar, at codon 1752 of the NF1 protein (p.Leu1752Val). This variant is not present in population databases (gnomAD no frequency). This variant has not been reported in the literature in individuals affected with NF1-related conditions. ClinVar contains an entry for this variant (Variation ID: 1746382). Advanced modeling of protein sequence and biophysical properties (such as structural, functional, and spatial information, amino acid conservation, physicochemical variation, residue mobility, and thermodynamic stability) performed at Invitae indicates that this missense variant is expected to disrupt NF1 protein function. In summary, the available evidence is currently insufficient to determine the role of this variant in disease. Therefore, it has been classified as a Variant of Uncertain Significance.

Ambry Genetics
Classification: Uncertain significance for Cardiovascular phenotype; Hereditary cancer-predisposing syndrome. Last evaluated: 2017-01-03. Review status: criteria provided, single submitter. Criteria: Ambry Variant Classification Scheme 2023. Collection method: clinical testing. Allele origin: germline.
Comment: The p.L1752V variant (also known as c.5254C>G), located in coding exon 37 of the NF1 gene, results from a C to G substitution at nucleotide position 5254. The leucine at codon 1752 is replaced by valine, an amino acid with highly similar properties. This amino acid position is highly conserved in available vertebrate species. In addition, the in silico prediction for this alteration is inconclusive. Since supporting evidence is limited at this time, the clinical significance of this alteration remains unclear.